The following is an entry in ClinVar:

NM_031407.7(HUWE1):c.4192-4C>T

Gene: HUWE1 (HECT, UBA and WWE domain containing E3 ubiquitin protein ligase 1; minus strand). Cytogenetic location: Xp11.22.
Variant type: single nucleotide variant.
Coding change: c.4192-4C>T on transcript NM_031407.7 (MANE Select); 4 bases into the intron before coding-DNA position 4192, C replaced by T.
Molecular consequence: intron variant.
Genome position (GRCh38, 1-based): chrX:53,589,820, G>A on the plus strand (C>T on the coding strand, the complement: HUWE1 is on the minus strand). VCF-style: chrX-53589820-G-A. GRCh37 (hg19) VCF-style: chrX-53616780-G-A.
Identifiers: ClinVar variation 1738579 (VCV001738579.2), dbSNP rs1336362885, ClinGen allele CA641904306.

ClinVar aggregate classification (germline): Uncertain significance (1 of 4 stars; one submission).

Conditions:
Inborn genetic diseases. Identifiers: MedGen C0950123, MeSH D030342.

Allele frequency attached by ClinVar (database versions not stated): gnomAD exomes below 0.00001; gnomAD 0.00004.
gnomAD v4.1: 7 of 1,199,544 alleles (0.00058%); highest among the groups gnomAD compares: African/African-American, 0.0088%; no homozygotes.

Submission:

Ambry Genetics
Classification: Uncertain significance for Inborn genetic diseases. Last evaluated: 2018-04-13. Review status: criteria provided, single submitter. Criteria: Ambry Variant Classification Scheme 2023. Collection method: clinical testing. Allele origin: germline.
Comment: The c.4192-4C>T intronic variant results from a C to T substitution 4 nucleotides upstream from coding exon 33 in the HUWE1 gene. This nucleotide position is well conserved in available vertebrate species. Using the BDGP and ESEfinder splice site prediction tools, this alteration is not predicted to have any significant effect on this splice acceptor site; however, direct evidence is unavailable. Since supporting evidence is limited at this time, the clinical significance of this alteration remains unclear.